The following is an entry in ClinVar:

NM_004171.4(SLC1A2):c.668C>T (p.Pro223Leu)

Gene: SLC1A2 (solute carrier family 1 member 2; minus strand). Cytogenetic location: 11p13.
Variant type: single nucleotide variant.
Coding change: c.668C>T on transcript NM_004171.4 (MANE Select); coding-DNA position 668, C replaced by T.
Protein change: p.Pro223Leu; replaces proline 223 with leucine.
Molecular consequence: missense variant.
Genome position (GRCh38, 1-based): chr11:35,306,136, G>A on the plus strand (C>T on the coding strand, the complement: SLC1A2 is on the minus strand). VCF-style: chr11-35306136-G-A. GRCh37 (hg19) VCF-style: chr11-35327683-G-A.
Other names: c.641C>T, p.Pro214Leu (NM_001195728.3, NM_001252652.2); short protein forms P214L, P223L.
Identifiers: ClinVar variation 2892202 (VCV002892202.3), dbSNP rs142741081, ClinGen allele CA380127818.
Genomic context (GRCh38, chr11:35,306,136, plus strand): 5'-AAGACGTTCATCCCATCCTTGAACTCCAGGCCCTTCTTGATAACCATCTTAGTCTCCTCC[G>A]GCACCTCAGTCACAGTCTCGTTCAACAGAGAGACAACAGCGCTGGTTGCGTTGGCCTCCT-3'
Protein context (NP_004162.2, residues 213-233): SLLNETVTEV[Pro223Leu]EETKMVIKKG

ClinVar aggregate classification (germline): Uncertain significance (1 of 4 stars; one submission).

gnomAD v4.1: 6 of 1,613,852 alleles (0.00037%); highest among the groups gnomAD compares: East Asian, 0.0045%; no homozygotes.

Submission:

Labcorp Genetics (formerly Invitae), Labcorp
Classification: Uncertain significance. Last evaluated: 2023-11-24. Review status: criteria provided, single submitter. Criteria: Invitae Variant Classification Sherloc (09022015). Collection method: clinical testing. Allele origin: germline.
Comment: This sequence change replaces proline, which is neutral and non-polar, with leucine, which is neutral and non-polar, at codon 223 of the SLC1A2 protein (p.Pro223Leu). This variant is not present in population databases (gnomAD no frequency). This variant has not been reported in the literature in individuals affected with SLC1A2-related conditions. Advanced modeling of protein sequence and biophysical properties (such as structural, functional, and spatial information, amino acid conservation, physicochemical variation, residue mobility, and thermodynamic stability) performed at Invitae indicates that this missense variant is not expected to disrupt SLC1A2 protein function with a negative predictive value of 80%. In summary, the available evidence is currently insufficient to determine the role of this variant in disease. Therefore, it has been classified as a Variant of Uncertain Significance.